The following is an entry in ClinVar:

NM_001273.5(CHD4):c.1715G>A (p.Arg572Gln)

Gene: CHD4 (chromodomain helicase DNA binding protein 4; minus strand). Cytogenetic location: 12p13.31.
Variant type: single nucleotide variant.
Coding change: c.1715G>A on transcript NM_001273.5 (MANE Select); coding-DNA position 1715, G replaced by A.
Protein change: p.Arg572Gln; replaces arginine 572 with glutamine.
Molecular consequence: missense variant.
Genome position (GRCh38, 1-based): chr12:6,598,071, C>T on the plus strand (G>A on the coding strand, the complement: CHD4 is on the minus strand). VCF-style: chr12-6598071-C-T. GRCh37 (hg19) VCF-style: chr12-6707237-C-T.
Other names: c.1694G>A, p.Arg565Gln (NM_001297553.2); c.1676G>A, p.Arg559Gln (NM_001363606.2); short protein forms R559Q, R565Q, R572Q.
Identifiers: ClinVar variation 4531433 (VCV004531433.1).

ClinVar aggregate classification (germline): Likely pathogenic (1 of 4 stars; one submission).

Conditions:
Sifrim-Hitz-Weiss syndrome (SIHIWES). Also called: CHD4 Neurodevelopmental Disorder; SIFRIM-HITZ-WEISS MULTIPLE CONGENITAL ANOMALIES-MENTAL RETARDATION SYNDROME. Identifiers: Orphanet 653712, MedGen C4310688, MONDO:0014946, OMIM 617159.

gnomAD v4.1: 1 of 1,614,236 alleles (0.000062%); highest among the groups gnomAD compares: Non-Finnish European, 0.000085%; no homozygotes.

Submission:

Victorian Clinical Genetics Services, Murdoch Childrens Research Institute
Classification: Likely pathogenic for Sifrim-Hitz-Weiss syndrome. Last evaluated: 2025-04-17. Review status: criteria provided, single submitter. Criteria: ACMG Guidelines, 2015. Collection method: clinical testing. Allele origin: germline. Affected: yes.
Comment: This variant is classified as Likely pathogenic. Evidence in support of pathogenic classification: Variant is present in gnomAD <0.001 for a dominant condition (v4: 1 heterozygote(s), 0 homozygote(s)); Additional information: Variant is predicted to result in a missense amino acid change from arginine to glutamine; This variant is heterozygous; This gene is associated with autosomal dominant disease; This variant has no previous evidence of pathogenicity; No published segregation evidence has been identified for this variant; No published functional evidence has been identified for this variant; No comparable missense variants have previous evidence for pathogenicity; Variant is not located in an established domain, motif, hotspot or informative constraint region; Missense variant with inconclusive in silico prediction and uninformative conservation; The mechanism of disease for this gene is not clearly established. The mechanism of disease for Sifrim-Hitz-Weiss syndrome (MIM#617159) is suggested to be dominant negative or gain of function (PMID: 31388190). Protein truncating variants have been reported; however, these cases lack consistent clinical features with the disease mechanism remaining unclear (PMID: 31388190, 31474762); Variants in this gene are known to have variable expressivity (OMIM; PMID: 31388190).

Literature cited by the submitters: PubMed 31474762; PubMed 31388190.